The following is an entry in ClinVar:

ClinVar aggregate classification (germline): Pathogenic/Likely pathogenic. Review status: criteria provided, multiple submitters, no conflicts (2 of 4 stars). 4 submissions from 4 submitters: Pathogenic (1); Likely pathogenic (3). Last evaluated 2025-10-03.

Conditions:
HAX1-related disorders.
Kostmann syndrome (SCN3). Also called: KOSTMANN DISEASE; Autosomal recessive severe congenital neutropenia type 3. Identifiers: Orphanet 99749, MedGen C5235141, MONDO:0012548, OMIM 610738.

Allele frequency attached by ClinVar (database versions not stated): TOPMed below 0.00001; gnomAD 0.00001; gnomAD exomes 0.00001; ExAC 0.00002.

Submissions (4):

Labcorp Genetics (formerly Invitae), Labcorp
Classification: Pathogenic for Kostmann syndrome. Last evaluated: 2025-10-03. Review status: criteria provided, single submitter. Criteria: Invitae Variant Classification Sherloc (09022015). Collection method: clinical testing. Allele origin: germline.
Comment: This sequence change creates a premature translational stop signal (p.His136Profs*78) in the HAX1 gene. It is expected to result in an absent or disrupted protein product. Loss-of-function variants in HAX1 are known to be pathogenic (PMID: 17187068). This variant is present in population databases (rs748595772, gnomAD 0.002%). This variant has not been reported in the literature in individuals affected with HAX1-related conditions. ClinVar contains an entry for this variant (Variation ID: 659562). For these reasons, this variant has been classified as Pathogenic.

Natera, Inc.
Classification: Likely pathogenic for Autosomal recessive severe congenital neutropenia type 3. Last evaluated: 2024-03-28. Review status: criteria provided, single submitter. Criteria: Natera Variant Classification Schema (03/2026). Collection method: clinical testing. Allele origin: germline.
Comment: The c.407delA variant in HAX1 is a frameshift variant predicted to shift the reading frame beginning at codon 136 and leads to a stop codon 78 codons downstream. This variant is expected to result in nonsense mediated decay, truncation, or a dysfunctional protein product. This variant is rare in the general population with a frequency below the threshold expected for the associated phenotype(s). Given the available evidence, this variant is classified as Likely Pathogenic.

Fulgent Genetics
Classification: Likely pathogenic for Kostmann syndrome. Last evaluated: 2024-01-23. Review status: criteria provided, single submitter. Criteria: ACMG Guidelines, 2015. Collection method: clinical testing. Allele origin: germline.

Blueprint Genetics
Classification: Likely pathogenic for HAX1-related disorders. Last evaluated: 2022-11-09. Review status: criteria provided, single submitter. Criteria: ACMG Guidelines, 2015. Collection method: clinical testing. Allele origin: germline. Affected: yes. Observed: 1 variant allele.

Literature cited by the submitters: PubMed 17187068 (cited by Labcorp Genetics (formerly Invitae), Labcorp).

NM_006118.4(HAX1):c.407del (p.His136fs)

Gene: HAX1 (HCLS1 associated protein X-1; plus strand). Cytogenetic location: 1q21.3.
Variant type: Deletion.
Coding change: c.407del on transcript NM_006118.4 (MANE Select); coding-DNA position 407, one base deleted (A; older notation c.407delA).
Protein change: p.His136fs; shifts the reading frame from histidine 136.
Molecular consequence: frameshift variant.
Genome position (GRCh38, 1-based): chr1:154,273,864, A deleted. VCF-style (leftmost placement, unchanged base first): chr1-154273863-CA-C. GRCh37 (hg19) VCF-style: chr1-154246339-CA-C.
Other names: c.263del, p.His88fs (NM_001018837.2); c.407delA (NM_006118.3); short protein forms H136fs, H88fs.
Identifiers: ClinVar variation 659562 (VCV000659562.10), dbSNP rs748595772, ClinGen allele CA1127339.